The following is an entry in ClinVar:

NM_015910.7(WDPCP):c.705T>C (p.His235=)

Gene: WDPCP (WD repeat containing planar cell polarity effector; minus strand). Cytogenetic location: 2p15.
Variant type: single nucleotide variant.
Coding change: c.705T>C on transcript NM_015910.7 (MANE Select); coding-DNA position 705, T replaced by C.
Protein change: p.His235=; no amino-acid change (histidine 235 retained).
Molecular consequence: synonymous variant. On other transcripts: non-coding transcript variant (3).
Genome position (GRCh38, 1-based): chr2:63,433,865, A>G on the plus strand (T>C on the coding strand, the complement: WDPCP is on the minus strand). VCF-style: chr2-63433865-A-G. GRCh37 (hg19) VCF-style: chr2-63660999-A-G.
Other names: c.228T>C, p.His76= (NM_001042692.3); c.633T>C, p.His211= (NM_001354044.2); c.705T>C, p.His235= (NM_001354045.2); c.705T>C (NM_015910.5).
Identifiers: ClinVar variation 1094017 (VCV001094017.10), dbSNP rs1281696709, ClinGen allele CA426381706.

ClinVar aggregate classification (germline): Likely benign. Review status: criteria provided, multiple submitters, no conflicts (2 of 4 stars). 2 submissions from 2 submitters: Likely benign (2). Last evaluated 2024-12-02.

Conditions:
Bardet-Biedl syndrome (BBS). Identifiers: Orphanet 110, MedGen C0752166, MONDO:0015229.
WDPCP-related disorder. Also called: WDPCP-related condition.

Allele frequency attached by ClinVar (database versions not stated): gnomAD exomes below 0.00001; gnomAD 0.00001.
gnomAD v4.1: 7 of 1,613,958 alleles (0.00043%); highest among the groups gnomAD compares: Non-Finnish European, 0.00059%; no homozygotes.

Submissions (2):

PreventionGenetics, part of Exact Sciences
Classification: Likely benign for WDPCP-related condition. Last evaluated: 2024-12-02. Review status: criteria provided, single submitter. Criteria: ACMG Guidelines, 2015. Collection method: clinical testing. Allele origin: germline.
Comment: This variant is classified as likely benign based on ACMG/AMP sequence variant interpretation guidelines (Richards et al. 2015 PMID: 25741868, with internal and published modifications).

Labcorp Genetics (formerly Invitae), Labcorp
Classification: Likely benign for Bardet-Biedl syndrome. Last evaluated: 2022-10-05. Review status: criteria provided, single submitter. Criteria: Invitae Variant Classification Sherloc (09022015). Collection method: clinical testing. Allele origin: germline.